The following is an entry in ClinVar:

ClinVar aggregate classification (germline): Uncertain significance (1 of 4 stars; one submission).

Allele frequency attached by ClinVar (database versions not stated): gnomAD exomes 0.00001 and 0.00002; TOPMed 0.00002; gnomAD 0.00004.

Submission:

Labcorp Genetics (formerly Invitae), Labcorp
Classification: Uncertain significance. Last evaluated: 2026-01-19. Review status: criteria provided, single submitter. Criteria: Invitae Variant Classification Sherloc (09022015). Collection method: clinical testing. Allele origin: germline.
Comment: This sequence change replaces glutamic acid, which is acidic and polar, with aspartic acid, which is acidic and polar, at codon 293 of the MYSM1 protein (p.Glu293Asp). This variant is present in population databases (no rsID available, gnomAD 0.01%). This variant has not been reported in the literature in individuals affected with MYSM1-related conditions. ClinVar contains an entry for this variant (Variation ID: 1426718). Invitae Evidence Modeling of protein sequence and biophysical properties (such as structural, functional, and spatial information, amino acid conservation, physicochemical variation, residue mobility, and thermodynamic stability) indicates that this missense variant is not expected to disrupt MYSM1 protein function with a negative predictive value of 80%. In summary, the available evidence is currently insufficient to determine the role of this variant in disease. Therefore, it has been classified as a Variant of Uncertain Significance.

NM_001085487.3(MYSM1):c.879A>C (p.Glu293Asp)

Gene: MYSM1 (Myb like, SWIRM and MPN domains 1; minus strand). Cytogenetic location: 1p32.1.
Variant type: single nucleotide variant.
Coding change: c.879A>C on transcript NM_001085487.3 (MANE Select); coding-DNA position 879, A replaced by C.
Protein change: p.Glu293Asp; replaces glutamic acid 293 with aspartic acid.
Molecular consequence: missense variant.
Genome position (GRCh38, 1-based): chr1:58,682,165, T>G on the plus strand (A>C on the coding strand, the complement: MYSM1 is on the minus strand). VCF-style: chr1-58682165-T-G. GRCh37 (hg19) VCF-style: chr1-59147837-T-G.
Other names: short protein forms E293D.
Identifiers: ClinVar variation 1426718 (VCV001426718.4), dbSNP rs1332146831, ClinGen allele CA340527177.